The following is an entry in ClinVar:

ClinVar aggregate classification (germline): Uncertain significance (1 of 4 stars; one submission).

Submission:

Dasa
Classification: Uncertain significance. Last evaluated: 2026-04-03. Review status: criteria provided, single submitter. Criteria: DASA Assertion Criteria. Collection method: clinical testing. Allele origin: germline.
Comment: NM_001134673.4(NFIA):c.1246T>C (p.Phe416Leu) is a missense variant that results in the substitution of phenylalanine with leucine. This variant is absent from population databases. The currently available literature and clinical evidence are not sufficient to establish a definitive association between this variant and the reported condition. Therefore, this variant is classified as a variant of uncertain significance.

NM_001134673.4(NFIA):c.1246T>C (p.Phe416Leu)

Gene: NFIA (nuclear factor I A; plus strand). Cytogenetic location: 1p31.3.
Variant type: single nucleotide variant.
Coding change: c.1246T>C on transcript NM_001134673.4 (MANE Select); coding-DNA position 1246, T replaced by C.
Protein change: p.Phe416Leu; replaces phenylalanine 416 with leucine.
Molecular consequence: missense variant.
Genome position (GRCh38, 1-based): chr1:61,404,274, T>C. VCF-style: chr1-61404274-T-C. GRCh37 (hg19) VCF-style: chr1-61869946-T-C.
Other names: c.1222T>C, p.Phe408Leu (NM_001145511.2); c.1381T>C, p.Phe461Leu (NM_001145512.2); c.1246T>C, p.Phe416Leu (NM_005595.5); short protein forms F408L, F416L, F461L.
Identifiers: ClinVar variation 4852676 (VCV004852676.2).